The following is an entry in ClinVar:

NM_177438.3(DICER1):c.2805A>G (p.Arg935=)

Gene: DICER1 (dicer 1, ribonuclease III; minus strand). Cytogenetic location: 14q32.13.
Variant type: single nucleotide variant.
Coding change: c.2805A>G on transcript NM_177438.3 (MANE Select); coding-DNA position 2805, A replaced by G.
Protein change: p.Arg935=; no amino-acid change (arginine 935 retained).
Molecular consequence: synonymous variant.
Genome position (GRCh38, 1-based): chr14:95,106,223, T>C on the plus strand (A>G on the coding strand, the complement: DICER1 is on the minus strand). VCF-style: chr14-95106223-T-C. GRCh37 (hg19) VCF-style: chr14-95572560-T-C.
Other names: c.2805A>G, p.Arg935= (NM_001195573.1, NM_001271282.3, NM_001291628.2 and 1 more transcripts).
Identifiers: ClinVar variation 821824 (VCV000821824.19), dbSNP rs1595374361, ClinGen allele CA487627469.

ClinVar aggregate classification (germline): Likely benign. Review status: criteria provided, multiple submitters, no conflicts (2 of 4 stars). 3 submissions from 3 submitters: Likely benign (3). Last evaluated 2025-08-01.

Conditions:
DICER1-related tumor predisposition. Also called: DICER1-related pleuropulmonary blastoma cancer predisposition syndrome; DICER1 syndrome. Identifiers: Orphanet 284343, MedGen C3839822, MONDO:0100216.
Hereditary cancer-predisposing syndrome. Also called: Tumor predisposition; Hereditary neoplastic syndrome; Neoplastic Syndromes, Hereditary; Hereditary Cancer Syndrome. Identifiers: Orphanet 140162, MedGen C0027672, MeSH D009386, MONDO:0015356.

Allele frequency attached by ClinVar (database versions not stated): gnomAD exomes below 0.00001.
gnomAD v4.1: 2 of 1,612,766 alleles (0.00012%); highest among the groups gnomAD compares: South Asian, 0.0011%; no homozygotes.

Submissions (3):

CeGaT Center for Human Genetics Tuebingen
Classification: Likely benign. Last evaluated: 2025-08-01. Review status: criteria provided, single submitter. Criteria: CeGaT Center For Human Genetics Tuebingen Variant Classification Criteria Version 2. Collection method: clinical testing. Allele origin: germline. Affected: yes. Observed: 1 variant allele.
Comment: DICER1: BP4, BP7

Labcorp Genetics (formerly Invitae), Labcorp
Classification: Likely benign for DICER1-related tumor predisposition. Last evaluated: 2025-02-09. Review status: criteria provided, single submitter. Criteria: Invitae Variant Classification Sherloc (09022015). Collection method: clinical testing. Allele origin: germline.

Ambry Genetics
Classification: Likely benign for Hereditary cancer-predisposing syndrome. Last evaluated: 2019-02-06. Review status: criteria provided, single submitter. Criteria: Ambry Variant Classification Scheme 2023. Collection method: clinical testing. Allele origin: germline.